The following is an entry in ClinVar:

ClinVar aggregate classification (germline): Benign/Likely benign. Review status: criteria provided, multiple submitters, no conflicts (2 of 4 stars). 3 submissions from 3 submitters: Benign (1); Likely benign (1). 1 of the submissions does not count toward it. Last evaluated 2024-01-01.

Conditions:
H1-4-related disorder. Also called: H1-4-related condition.

Allele frequency attached by ClinVar (database versions not stated): gnomAD 0.00105 and 0.00115; ESP Exome Variant Server 0.00108; TOPMed 0.00124; 1000 Genomes Project 30x 0.00125; 1000 Genomes Project 0.00140.
gnomAD v4.1: 318 of 1,613,544 alleles (0.02%); highest among the groups gnomAD compares: African/African-American, 0.4%; 1 homozygote.

Submissions (3):

CeGaT Center for Human Genetics Tuebingen
Classification: Likely benign. Last evaluated: 2024-01-01. Review status: criteria provided, single submitter. Criteria: CeGaT Center For Human Genetics Tuebingen Variant Classification Criteria Version 2. Collection method: clinical testing. Allele origin: germline. Affected: yes. Observed: 1 variant allele.
Comment: H1-4: BP4, BP7, BS1

Labcorp Genetics (formerly Invitae), Labcorp
Classification: Benign. Last evaluated: 2019-12-31. Review status: criteria provided, single submitter. Criteria: Invitae Variant Classification Sherloc (09022015). Collection method: clinical testing. Allele origin: germline.

PreventionGenetics, part of Exact Sciences
Classification: Likely benign for H1-4-related condition. Last evaluated: 2019-06-17. Review status: no assertion criteria provided. Collection method: clinical testing. Allele origin: germline. Not counted in ClinVar's aggregate classification.
Comment: This variant is classified as likely benign based on ACMG/AMP sequence variant interpretation guidelines (Richards et al. 2015 PMID: 25741868, with internal and published modifications).

NM_005321.3(H1-4):c.93C>G (p.Ala31=)

Gene: H1-4 (H1.4 linker histone, cluster member; plus strand). Cytogenetic location: 6p22.2.
Variant type: single nucleotide variant.
Coding change: c.93C>G on transcript NM_005321.3 (MANE Select); coding-DNA position 93, C replaced by G.
Protein change: p.Ala31=; no amino-acid change (alanine 31 retained).
Molecular consequence: synonymous variant.
Genome position (GRCh38, 1-based): chr6:26,156,483, C>G. VCF-style: chr6-26156483-C-G. GRCh37 (hg19) VCF-style: chr6-26156711-C-G.
Identifiers: ClinVar variation 745651 (VCV000745651.27), dbSNP rs141466409, ClinGen allele CA3667894.